The following is an entry in ClinVar:

NM_022437.3(ABCG8):c.745C>T (p.His249Tyr)

Gene: ABCG8 (ATP binding cassette subfamily G member 8; plus strand). Cytogenetic location: 2p21.
Variant type: single nucleotide variant.
Coding change: c.745C>T on transcript NM_022437.3 (MANE Select); coding-DNA position 745, C replaced by T.
Protein change: p.His249Tyr; replaces histidine 249 with tyrosine.
Molecular consequence: missense variant.
Genome position (GRCh38, 1-based): chr2:43,852,649, C>T. VCF-style: chr2-43852649-C-T. GRCh37 (hg19) VCF-style: chr2-44079788-C-T.
Other names: c.745C>T, p.His249Tyr (NM_001357321.2); short protein forms H249Y.
Identifiers: ClinVar variation 4745258 (VCV004745258.1).
Genomic context (GRCh38, chr2:43,852,649, plus strand): 5'-TGTTGGAAAGGAATCCTTATTCTCGACGAACCCACCTCTGGGCTCGACAGCTTCACAGCC[C>T]ACAACCTGGTGAAGACCTTGTCCAGGCTGGCCAAAGGCAACCGGCTGGTGCTCATCTCCC-3'
Protein context (NP_071882.1, residues 239-259): PTSGLDSFTA[His249Tyr]NLVKTLSRLA

ClinVar aggregate classification (germline): Uncertain significance (1 of 4 stars; one submission).

Submission:

Labcorp Genetics (formerly Invitae), Labcorp
Classification: Uncertain significance. Last evaluated: 2025-09-23. Review status: criteria provided, single submitter. Criteria: Invitae Variant Classification Sherloc (09022015). Collection method: clinical testing. Allele origin: germline.
Comment: This sequence change replaces histidine, which is basic and polar, with tyrosine, which is neutral and polar, at codon 249 of the ABCG8 protein (p.His249Tyr). This variant is not present in population databases (gnomAD no frequency). This variant has not been reported in the literature in individuals affected with ABCG8-related conditions. Invitae Evidence Modeling of protein sequence and biophysical properties (such as structural, functional, and spatial information, amino acid conservation, physicochemical variation, residue mobility, and thermodynamic stability) indicates that this missense variant is not expected to disrupt ABCG8 protein function with a negative predictive value of 80%. In summary, the available evidence is currently insufficient to determine the role of this variant in disease. Therefore, it has been classified as a Variant of Uncertain Significance.